The following is an entry in ClinVar:

ClinVar aggregate classification (germline): Uncertain significance (1 of 4 stars; one submission).

Conditions:
Cardiovascular phenotype. Identifiers: MedGen CN230736.

Allele frequency attached by ClinVar (database versions not stated): gnomAD exomes below 0.00001; gnomAD 0.00001; 1000 Genomes Project 30x 0.00031.
gnomAD v4.1: 3 of 1,612,480 alleles (0.00019%); highest among the groups gnomAD compares: African/African-American, 0.0013%; no homozygotes.

Submission:

Ambry Genetics
Classification: Uncertain significance for Cardiovascular phenotype. Last evaluated: 2022-03-17. Review status: criteria provided, single submitter. Criteria: Ambry Variant Classification Scheme 2023. Collection method: clinical testing. Allele origin: germline.
Comment: The p.G3220E variant (also known as c.9659G>A), located in coding exon 27 of the TNXB gene, results from a G to A substitution at nucleotide position 9659. The glycine at codon 3220 is replaced by glutamic acid, an amino acid with similar properties. This amino acid position is conserved. In addition, this alteration is predicted to be tolerated by in silico analysis. Since supporting evidence is limited at this time, the clinical significance of this alteration remains unclear.

NM_001365276.2(TNXB):c.9665G>A (p.Gly3222Glu)

Gene: TNXB (tenascin XB; minus strand). Cytogenetic location: 6p21.33.
Variant type: single nucleotide variant.
Coding change: c.9665G>A on transcript NM_001365276.2 (MANE Select); coding-DNA position 9665, G replaced by A.
Protein change: p.Gly3222Glu; replaces glycine 3222 with glutamic acid.
Molecular consequence: missense variant.
Genome position (GRCh38, 1-based): chr6:32,049,362, C>T on the plus strand (G>A on the coding strand, the complement: TNXB is on the minus strand). VCF-style: chr6-32049362-C-T. GRCh37 (hg19) VCF-style: chr6-32017139-C-T.
Other names: c.9659G>A, p.Gly3220Glu (NM_019105.8); short protein forms G3220E, G3222E.
Identifiers: ClinVar variation 1767684 (VCV001767684.2), dbSNP rs1340501591, ClinGen allele CA363538271.
Genomic context (GRCh38, chr6:32,049,362, plus strand): 5'-CGCTGCCCCTCGTGGAGGCCGTACAGATGCATCTTGTATTTGCGCCCGGGCTCCAGGCCC[C>T]CCACGGTGACCTCGCTCTCCTCGCCCCTGACACGCACCACCTGGGGCTGCCCGTCCCTGT-3'
Protein context (NP_001352205.1, residues 3212-3232): VRGEESEVTV[Gly3222Glu]GLEPGRKYKM